The following is an entry in ClinVar:

NM_145020.5(CFAP53):c.1382C>T (p.Ser461Phe)

Gene: CFAP53 (cilia and flagella associated protein 53; minus strand). Cytogenetic location: 18q21.1.
Variant type: single nucleotide variant.
Coding change: c.1382C>T on transcript NM_145020.5 (MANE Select); coding-DNA position 1382, C replaced by T.
Protein change: p.Ser461Phe; replaces serine 461 with phenylalanine.
Molecular consequence: missense variant.
Genome position (GRCh38, 1-based): chr18:50,227,544, G>A on the plus strand (C>T on the coding strand, the complement: CFAP53 is on the minus strand). VCF-style: chr18-50227544-G-A. GRCh37 (hg19) VCF-style: chr18-47753914-G-A.
Other names: short protein forms S461F.
Identifiers: ClinVar variation 5040337 (VCV005040337.1).
Genomic context (GRCh38, chr18:50,227,544, plus strand): 5'-TTGTTTGCTGCTACACCTGCTTCAAACTCTCGGCGTTTCTCTTCCTTCTCTGCTTCTTGG[G>A]ACTGCTGCTGGTAGGCGATTTGCATCTGAAGTTGCTTCCTGTACTCCTGGGCTAAACGTT-3'
Protein context (NP_659457.2, residues 451-471): LQMQIAYQQQ[Ser461Phe]QEAEKEEKRR

ClinVar aggregate classification (germline): Likely benign (1 of 4 stars; one submission).

gnomAD v4.1: 5 of 1,614,122 alleles (0.00031%); highest among the groups gnomAD compares: Admixed American, 0.0067%; no homozygotes.

Submission:

CeGaT Center for Human Genetics Tuebingen
Classification: Likely benign. Last evaluated: 2026-08-01. Review status: criteria provided, single submitter. Criteria: CeGaT Center For Human Genetics Tuebingen Variant Classification Criteria Version 2. Collection method: clinical testing. Allele origin: germline. Affected: yes. Observed: 1 variant allele.
Comment: CFAP53: BP4